The following is an entry in ClinVar:

NM_201548.5(CERKL):c.1240G>T (p.Ala414Ser)

Gene: CERKL (CERK like autophagy regulator; minus strand). Cytogenetic location: 2q31.3.
Variant type: single nucleotide variant.
Coding change: c.1240G>T on transcript NM_201548.5 (MANE Select); coding-DNA position 1240, G replaced by T.
Protein change: p.Ala414Ser; replaces alanine 414 with serine.
Molecular consequence: missense variant. On other transcripts: non-coding transcript variant (2).
Genome position (GRCh38, 1-based): chr2:181,547,646, C>A on the plus strand (G>T on the coding strand, the complement: CERKL is on the minus strand). VCF-style: chr2-181547646-C-A. GRCh37 (hg19) VCF-style: chr2-182412373-C-A.
Other names: c.1318G>T, p.Ala440Ser (NM_001030311.3); c.901G>T, p.Ala301Ser (NM_001030312.3); c.1033G>T, p.Ala345Ser (NM_001030313.3); c.1186G>T, p.Ala396Ser (NM_001160277.2); short protein forms A396S, A440S, A301S, A345S, A414S.
Identifiers: ClinVar variation 1379996 (VCV001379996.6), dbSNP rs2105801494, ClinGen allele CA349735208.

ClinVar aggregate classification (germline): Uncertain significance (1 of 4 stars; one submission).

Submission:

Labcorp Genetics (formerly Invitae), Labcorp
Classification: Uncertain significance. Last evaluated: 2023-12-06. Review status: criteria provided, single submitter. Criteria: Invitae Variant Classification Sherloc (09022015). Collection method: clinical testing. Allele origin: germline.
Comment: This sequence change replaces alanine, which is neutral and non-polar, with serine, which is neutral and polar, at codon 440 of the CERKL protein (p.Ala440Ser). This variant is not present in population databases (gnomAD no frequency). This variant has not been reported in the literature in individuals affected with CERKL-related conditions. ClinVar contains an entry for this variant (Variation ID: 1379996). Advanced modeling of protein sequence and biophysical properties (such as structural, functional, and spatial information, amino acid conservation, physicochemical variation, residue mobility, and thermodynamic stability) performed at Invitae indicates that this missense variant is not expected to disrupt CERKL protein function with a negative predictive value of 80%. In summary, the available evidence is currently insufficient to determine the role of this variant in disease. Therefore, it has been classified as a Variant of Uncertain Significance.